The following is an entry in ClinVar:

ClinVar aggregate classification (germline): Uncertain significance. Review status: criteria provided, multiple submitters, no conflicts (2 of 4 stars). 5 submissions from 5 submitters: Uncertain significance (5). Last evaluated 2025-11-25.

Conditions:
Aneurysm-osteoarthritis syndrome. Also called: SMAD3-Related Loeys-Dietz Syndrome; ANEURYSMS-OSTEOARTHRITIS SYNDROME; Loeys-Dietz syndrome, type 1C; LOEYS-DIETZ SYNDROME WITH OSTEOARTHRITIS. Identifiers: Orphanet 284984, MedGen C3151087, MONDO:0013426, OMIM 613795.
Familial thoracic aortic aneurysm and aortic dissection (TAAD). Also called: Thoracic aortic aneurysms and dissections. Identifiers: Orphanet 91387, MedGen C4707243, MONDO:0019625.

Allele frequency attached by ClinVar (database versions not stated): TOPMed below 0.00001; ExAC 0.00001; gnomAD exomes 0.00001.
gnomAD v4.1: 17 of 1,614,174 alleles (0.0011%); highest among the groups gnomAD compares: Non-Finnish European, 0.0014%; no homozygotes.

Submissions (5):

Color Diagnostics, LLC DBA Color Health
Classification: Uncertain significance for Familial thoracic aortic aneurysm and aortic dissection. Last evaluated: 2025-11-25. Review status: criteria provided, single submitter. Criteria: ACMG Guidelines, 2015. Collection method: clinical testing. Allele origin: germline.
Comment: This missense variant replaces glutamic acid with glutamine at codon 131 of the SMAD3 protein. Computational prediction is inconclusive regarding the impact of this variant on protein structure and function. To our knowledge, functional studies have not been reported for this variant. This variant has not been reported in individuals affected with SMAD3-related disorders in the literature. This variant has been identified in 17/1614174 chromosomes in the general population by the Genome Aggregation Database (gnomAD). The available evidence is insufficient to determine the role of this variant in disease conclusively. Therefore, this variant is classified as a Variant of Uncertain Significance.

Ambry Genetics
Classification: Uncertain significance for Familial thoracic aortic aneurysm and aortic dissection. Last evaluated: 2025-01-29. Review status: criteria provided, single submitter. Criteria: Ambry Variant Classification Scheme 2023. Collection method: clinical testing. Allele origin: germline.
Comment: The p.E131Q variant (also known as c.391G>C), located in coding exon 2 of the SMAD3 gene, results from a G to C substitution at nucleotide position 391. The glutamic acid at codon 131 is replaced by glutamine, an amino acid with highly similar properties. This amino acid position is highly conserved in available vertebrate species. In addition, the in silico prediction for this alteration is inconclusive. Based on the available evidence, the clinical significance of this variant remains unclear.

GeneDx
Classification: Uncertain significance. Last evaluated: 2024-06-12. Review status: criteria provided, single submitter. Criteria: GeneDx Variant Classification Process June 2021. Collection method: clinical testing. Allele origin: germline. Affected: yes.
Comment: Not observed at significant frequency in large population cohorts (gnomAD); In silico analysis supports that this missense variant has a deleterious effect on protein structure/function; Has not been previously published as pathogenic or benign to our knowledge

All of Us Research Program, National Institutes of Health
Classification: Uncertain significance for Aneurysm-osteoarthritis syndrome. Last evaluated: 2024-06-11. Review status: criteria provided, single submitter. Criteria: ACMG Guidelines, 2015. Collection method: clinical testing. Allele origin: germline. Inheritance: Autosomal dominant inheritance. Observed: 4 variant alleles, 4 heterozygotes.
Comment: This missense variant replaces glutamic acid with glutamine at codon 131 of the SMAD3 protein. Computational prediction tools and conservation analyses are inconclusive regarding the impact of this variant on the protein function. Computational splicing tools suggest that this variant may not impact RNA splicing. To our knowledge, functional assays have not been performed for this variant nor has this variant been reported in individuals affected with cardiovascular disorders in the literature. This variant has been identified in 2/251386 chromosomes in the general population by the Genome Aggregation Database (gnomAD). Available evidence is insufficient to determine the role of this variant in disease conclusively. Therefore, this variant is classified as a Variant of Uncertain Significance.

This study involves interpretation of variants in research participants for the purpose of population health screening. Participant phenotype was not available at the time of variant classification. Additional details can be found in publication PMID: 35346344, PMCID: PMC8962531

Labcorp Genetics (formerly Invitae), Labcorp
Classification: Uncertain significance for Familial thoracic aortic aneurysm and aortic dissection. Last evaluated: 2020-11-03. Review status: criteria provided, single submitter. Criteria: Invitae Variant Classification Sherloc (09022015). Collection method: clinical testing. Allele origin: germline.
Comment: This variant has not been reported in the literature in individuals with SMAD3-related conditions. ClinVar contains an entry for this variant (Variation ID: 628999). Advanced modeling of protein sequence and biophysical properties (such as structural, functional, and spatial information, amino acid conservation, physicochemical variation, residue mobility, and thermodynamic stability) performed at Invitae indicates that this missense variant is not expected to disrupt SMAD3 protein function. In summary, the available evidence is currently insufficient to determine the role of this variant in disease. Therefore, it has been classified as a Variant of Uncertain Significance. This variant is present in population databases (rs750982529, ExAC 0.001%). This sequence change replaces glutamic acid with glutamine at codon 131 of the SMAD3 protein (p.Glu131Gln). The glutamic acid residue is highly conserved and there is a small physicochemical difference between glutamic acid and glutamine.

NM_005902.4(SMAD3):c.391G>C (p.Glu131Gln)

Gene: SMAD3 (SMAD family member 3; plus strand). Cytogenetic location: 15q22.33.
Variant type: single nucleotide variant.
Coding change: c.391G>C on transcript NM_005902.4 (MANE Select); coding-DNA position 391, G replaced by C.
Protein change: p.Glu131Gln; replaces glutamic acid 131 with glutamine.
Molecular consequence: missense variant.
Genome position (GRCh38, 1-based): chr15:67,165,079, G>C. VCF-style: chr15-67165079-G-C. GRCh37 (hg19) VCF-style: chr15-67457417-G-C.
Other names: c.76G>C, p.Glu26Gln (NM_001145102.2); c.259G>C, p.Glu87Gln (NM_001145103.2); short protein forms E131Q, E26Q, E87Q.
Identifiers: ClinVar variation 628999 (VCV000628999.21), dbSNP rs750982529, ClinGen allele CA062168.